The following is an entry in ClinVar:

ClinVar aggregate classification (germline): Uncertain significance. Review status: criteria provided, multiple submitters, no conflicts (2 of 4 stars). 3 submissions from 3 submitters: Uncertain significance (3). Last evaluated 2025-01-18.

Conditions:
Inborn genetic diseases. Identifiers: MedGen C0950123, MeSH D030342.
3M syndrome 2. Also called: 3-M Syndrome, OBSL1-Related; THREE M SYNDROME 2. Identifiers: Orphanet 2616, MedGen C2752041, MONDO:0013039, OMIM 612921.

Allele frequency attached by ClinVar (database versions not stated): ExAC 0.00002; gnomAD exomes 0.00003; TOPMed 0.00003; gnomAD 0.00004; ESP Exome Variant Server 0.00008.
gnomAD v4.1: 46 of 1,613,884 alleles (0.0029%); highest among the groups gnomAD compares: East Asian, 0.011%; no homozygotes.

Submissions (3):

Ambry Genetics
Classification: Uncertain significance for Inborn genetic diseases. Last evaluated: 2025-01-18. Review status: criteria provided, single submitter. Criteria: Ambry Variant Classification Scheme 2023. Collection method: clinical testing. Allele origin: germline.

Labcorp Genetics (formerly Invitae), Labcorp
Classification: Uncertain significance. Last evaluated: 2024-10-16. Review status: criteria provided, single submitter. Criteria: Invitae Variant Classification Sherloc (09022015). Collection method: clinical testing. Allele origin: germline.
Comment: This sequence change replaces glycine, which is neutral and non-polar, with serine, which is neutral and polar, at codon 966 of the OBSL1 protein (p.Gly966Ser). This variant is present in population databases (rs374693718, gnomAD 0.01%). This variant has not been reported in the literature in individuals affected with OBSL1-related conditions. ClinVar contains an entry for this variant (Variation ID: 896130). An algorithm developed to predict the effect of missense changes on protein structure and function (PolyPhen-2) suggests that this variant is likely to be disruptive. In summary, the available evidence is currently insufficient to determine the role of this variant in disease. Therefore, it has been classified as a Variant of Uncertain Significance.

Illumina Laboratory Services, Illumina
Classification: Uncertain significance for 3M syndrome 2. Last evaluated: 2018-01-13. Review status: criteria provided, single submitter. Criteria: ICSL Variant Classification Criteria 13 December 2019. Collection method: clinical testing. Allele origin: germline.

NM_015311.3(OBSL1):c.2896G>A (p.Gly966Ser)

Gene: OBSL1 (obscurin like cytoskeletal adaptor 1; minus strand). Cytogenetic location: 2q35.
Variant type: single nucleotide variant.
Coding change: c.2896G>A on transcript NM_015311.3 (MANE Select); coding-DNA position 2896, G replaced by A.
Protein change: p.Gly966Ser; replaces glycine 966 with serine.
Molecular consequence: missense variant.
Genome position (GRCh38, 1-based): chr2:219,562,459, C>T on the plus strand (G>A on the coding strand, the complement: OBSL1 is on the minus strand). VCF-style: chr2-219562459-C-T. GRCh37 (hg19) VCF-style: chr2-220427181-C-T.
Other names: c.2896G>A, p.Gly966Ser (NM_001173408.2, NM_001173431.2); short protein forms G966S.
Identifiers: ClinVar variation 896130 (VCV000896130.9), dbSNP rs374693718, ClinGen allele CA2131063.